The following is an entry in ClinVar:

ClinVar aggregate classification (germline): Benign/Likely benign. Review status: criteria provided, multiple submitters, no conflicts (2 of 4 stars). 3 submissions from 3 submitters: Benign (1); Likely benign (2). Last evaluated 2024-04-25.

Conditions:
Spastic paraplegia. Identifiers: MedGen C0037772, HP:0001258.

Allele frequency attached by ClinVar (database versions not stated): TOPMed 0.00001; gnomAD 0.00002; gnomAD exomes 0.00002 and 0.00003; ExAC 0.00005; ESP Exome Variant Server 0.00009.
gnomAD v4.1: 19 of 1,205,574 alleles (0.0016%); highest among the groups gnomAD compares: Middle Eastern, 0.025%; no homozygotes.

Submissions (3):

Labcorp Genetics (formerly Invitae), Labcorp
Classification: Benign for Spastic paraplegia. Last evaluated: 2024-04-25. Review status: criteria provided, single submitter. Criteria: Invitae Variant Classification Sherloc (09022015). Collection method: clinical testing. Allele origin: germline.

GeneDx
Classification: Likely benign. Last evaluated: 2017-11-22. Review status: criteria provided, single submitter. Criteria: GeneDx Variant Classification (06012015). Collection method: clinical testing. Allele origin: germline. Affected: yes.
Comment: This variant is considered likely benign or benign based on one or more of the following criteria: it is a conservative change, it occurs at a poorly conserved position in the protein, it is predicted to be benign by multiple in silico algorithms, and/or has population frequency not consistent with disease.

PreventionGenetics, part of Exact Sciences
Classification: Likely benign. Review status: criteria provided, single submitter. Criteria: ACMG Guidelines, 2015. Collection method: clinical testing. Allele origin: germline.

NM_001278116.2(L1CAM):c.3322+19G>A

Gene: L1CAM (L1 cell adhesion molecule; minus strand). Cytogenetic location: Xq28.
Variant type: single nucleotide variant.
Coding change: c.3322+19G>A on transcript NM_001278116.2 (MANE Select); 19 bases into the intron after coding-DNA position 3322, G replaced by A.
Molecular consequence: intron variant.
Genome position (GRCh38, 1-based): chrX:153,864,303, C>T on the plus strand (G>A on the coding strand, the complement: L1CAM is on the minus strand). VCF-style: chrX-153864303-C-T. GRCh37 (hg19) VCF-style: chrX-153129758-C-T.
Other names: c.3307+19G>A (NM_001143963.2); c.3322+19G>A (NM_024003.3, NM_000425.5).
Identifiers: ClinVar variation 256047 (VCV000256047.9), dbSNP rs375076231, ClinGen allele CA10553989.